The following is an entry in ClinVar:

ClinVar aggregate classification (germline): Uncertain significance (1 of 4 stars; one submission).

Allele frequency attached by ClinVar (database versions not stated): gnomAD exomes below 0.00001.

Submission:

Labcorp Genetics (formerly Invitae), Labcorp
Classification: Uncertain significance. Last evaluated: 2022-03-19. Review status: criteria provided, single submitter. Criteria: Invitae Variant Classification Sherloc (09022015). Collection method: clinical testing. Allele origin: germline.
Comment: This sequence change replaces isoleucine, which is neutral and non-polar, with threonine, which is neutral and polar, at codon 617 of the CLTC protein (p.Ile617Thr). This variant is present in population databases (no rsID available, gnomAD 0.0009%). This variant has not been reported in the literature in individuals affected with CLTC-related conditions. Algorithms developed to predict the effect of missense changes on protein structure and function are either unavailable or do not agree on the potential impact of this missense change (SIFT: "Deleterious"; PolyPhen-2: "Not Available"; Align-GVGD: "Class C0"). In summary, the available evidence is currently insufficient to determine the role of this variant in disease. Therefore, it has been classified as a Variant of Uncertain Significance.

NM_004859.4(CLTC):c.1838T>C (p.Ile613Thr)

Gene: CLTC (clathrin heavy chain; plus strand). Cytogenetic location: 17q23.1.
Variant type: single nucleotide variant.
Coding change: c.1838T>C on transcript NM_004859.4 (MANE Select); coding-DNA position 1838, T replaced by C.
Protein change: p.Ile613Thr; replaces isoleucine 613 with threonine.
Molecular consequence: missense variant.
Genome position (GRCh38, 1-based): chr17:59,666,535, T>C. VCF-style: chr17-59666535-T-C. GRCh37 (hg19) VCF-style: chr17-57743896-T-C.
Other names: c.1850T>C, p.Ile617Thr (NM_001288653.2); short protein forms I617T, I613T.
Identifiers: ClinVar variation 1358570 (VCV001358570.8), dbSNP rs1338687722, ClinGen allele CA400428035.